The following is an entry in ClinVar:

ClinVar aggregate classification (germline): Uncertain significance (1 of 4 stars; one submission).

Conditions:
Diffuse cerebral and cerebellar atrophy - intractable seizures - progressive microcephaly syndrome. Also called: Microcephaly, progressive, with seizures and cerebral and cerebellar atrophy. Identifiers: Orphanet 404437, MedGen C4014239, MONDO:0014335, OMIM 615760.

Allele frequency attached by ClinVar (database versions not stated): ESP Exome Variant Server 0.00008.

Submission:

Labcorp Genetics (formerly Invitae), Labcorp
Classification: Uncertain significance for Diffuse cerebral and cerebellar atrophy - intractable seizures - progressive microcephaly syndrome. Last evaluated: 2021-05-14. Review status: criteria provided, single submitter. Criteria: Invitae Variant Classification Sherloc (09022015). Collection method: clinical testing. Allele origin: germline.
Comment: In summary, the available evidence is currently insufficient to determine the role of this variant in disease. Therefore, it has been classified as a Variant of Uncertain Significance. Algorithms developed to predict the effect of missense changes on protein structure and function are either unavailable or do not agree on the potential impact of this missense change (SIFT: "Deleterious"; PolyPhen-2: "Probably Damaging"; Align-GVGD: "Class C15"). This missense change has been observed in individual(s) with QARS-related conditions (PMID: 25432320). In at least one individual the data is consistent with the variant being in trans (on the opposite chromosome) from a pathogenic variant. This variant is not present in population databases (ExAC no frequency). This sequence change replaces glutamine with histidine at codon 742 of the QARS protein (p.Gln742His). The glutamine residue is highly conserved and there is a small physicochemical difference between glutamine and histidine.

Literature cited by the submitters: PubMed 25432320.

NM_005051.3(QARS1):c.2226G>T (p.Gln742His)

Gene: QARS1 (glutaminyl-tRNA synthetase 1; minus strand). Cytogenetic location: 3p21.31.
Variant type: single nucleotide variant.
Coding change: c.2226G>T on transcript NM_005051.3 (MANE Select); coding-DNA position 2226, G replaced by T.
Protein change: p.Gln742His; replaces glutamine 742 with histidine.
Molecular consequence: missense variant. On other transcripts: non-coding transcript variant (1).
Genome position (GRCh38, 1-based): chr3:49,098,043, C>A on the plus strand (G>T on the coding strand, the complement: QARS1 is on the minus strand). VCF-style: chr3-49098043-C-A. GRCh37 (hg19) VCF-style: chr3-49135476-C-A.
Other names: c.2193G>T, p.Gln731His (NM_001272073.2); short protein forms Q731H, Q742H.
Identifiers: ClinVar variation 1351713 (VCV001351713.8), dbSNP rs370685207, ClinGen allele CA74472167.